The following is an entry in ClinVar:

NM_139057.4(ADAMTS17):c.3121C>G (p.Arg1041Gly)

Gene: ADAMTS17 (ADAM metallopeptidase with thrombospondin type 1 motif 17; minus strand). Cytogenetic location: 15q26.3.
Variant type: single nucleotide variant.
Coding change: c.3121C>G on transcript NM_139057.4 (MANE Select); coding-DNA position 3121, C replaced by G.
Protein change: p.Arg1041Gly; replaces arginine 1041 with glycine.
Molecular consequence: missense variant.
Genome position (GRCh38, 1-based): chr15:99,976,051, G>C on the plus strand (C>G on the coding strand, the complement: ADAMTS17 is on the minus strand). VCF-style: chr15-99976051-G-C. GRCh37 (hg19) VCF-style: chr15-100516256-G-C.
Other names: short protein forms R1041G.
Identifiers: ClinVar variation 1352551 (VCV001352551.6), dbSNP rs149434438, ClinGen allele CA393692327.
Genomic context (GRCh38, chr15:99,976,051, plus strand): 5'-CTGGGCAGGAGACACAGCAGCCCCCTGGGAACCGGGGCCAGTGAAGACACTCACCAAGGC[G>C]GGGGGAGGTGATGGTGTTGGCGTTGATCCTGTCGTTGCAGACCTCCTGGTAGCACTGTCT-3'
Protein context (NP_620688.2, residues 1031-1051): RINANTITSP[Arg1041Gly]LAALTYKCTR

ClinVar aggregate classification (germline): Uncertain significance (1 of 4 stars; one submission).

gnomAD v4.1: 8 of 1,550,012 alleles (0.00052%); highest among the groups gnomAD compares: Admixed American, 0.002%; no homozygotes.

Submission:

Labcorp Genetics (formerly Invitae), Labcorp
Classification: Uncertain significance. Last evaluated: 2022-11-15. Review status: criteria provided, single submitter. Criteria: Invitae Variant Classification Sherloc (09022015). Collection method: clinical testing. Allele origin: germline.
Comment: This variant has not been reported in the literature in individuals affected with ADAMTS17-related conditions. ClinVar contains an entry for this variant (Variation ID: 1352551). Algorithms developed to predict the effect of missense changes on protein structure and function are either unavailable or do not agree on the potential impact of this missense change (SIFT: "Not Available"; PolyPhen-2: "Benign"; Align-GVGD: "Not Available"). In summary, the available evidence is currently insufficient to determine the role of this variant in disease. Therefore, it has been classified as a Variant of Uncertain Significance. This sequence change replaces arginine, which is basic and polar, with glycine, which is neutral and non-polar, at codon 1041 of the ADAMTS17 protein (p.Arg1041Gly). This variant is present in population databases (no rsID available, gnomAD 0.004%).